The following is an entry in ClinVar:

NM_000271.5(NPC1):c.2893C>T (p.Gln965Ter)

Gene: NPC1 (NPC intracellular cholesterol transporter 1; minus strand). Cytogenetic location: 18q11.2.
Variant type: single nucleotide variant.
Coding change: c.2893C>T on transcript NM_000271.5 (MANE Select); coding-DNA position 2893, C replaced by T.
Protein change: p.Gln965Ter; replaces glutamine 965 with a stop codon.
Molecular consequence: nonsense.
Genome position (GRCh38, 1-based): chr18:23,539,373, G>A on the plus strand (C>T on the coding strand, the complement: NPC1 is on the minus strand). VCF-style: chr18-23539373-G-A. GRCh37 (hg19) VCF-style: chr18-21119337-G-A.
Other names: short protein forms Q965*.
Identifiers: ClinVar variation 188956 (VCV000188956.50), dbSNP rs786204586, ClinGen allele CA274181.

ClinVar aggregate classification (germline): Pathogenic. Review status: criteria provided, multiple submitters, no conflicts (2 of 4 stars). 3 submissions from 3 submitters: Pathogenic (2). 1 of the submissions does not count toward it. Last evaluated 2023-01-03.

Conditions:
Niemann-Pick disease, type C1. Also called: NIEMANN-PICK DISEASE, VARIANT TYPE C1; NEUROVISCERAL STORAGE DISEASE WITH VERTICAL SUPRANUCLEAR OPHTHALMOPLEGIA; NIEMANN-PICK DISEASE WITH CHOLESTEROL ESTERIFICATION BLOCK; NIEMANN-PICK DISEASE WITHOUT SPHINGOMYELINASE DEFICIENCY; NIEMANN-PICK DISEASE, CHRONIC NEURONOPATHIC FORM. Identifiers: Orphanet 646, MedGen C3179455, MONDO:0009757, OMIM 257220.

Allele frequency attached by ClinVar (database versions not stated): gnomAD 0.00001.
gnomAD v4.1: 1 of 1,612,152 alleles (0.000062%); highest among the groups gnomAD compares: Admixed American, 0.0017%; no homozygotes.

Submissions (3):

Labcorp Genetics (formerly Invitae), Labcorp
Classification: Pathogenic for Niemann-Pick disease, type C1. Last evaluated: 2023-01-03. Review status: criteria provided, single submitter. Criteria: Invitae Variant Classification Sherloc (09022015). Collection method: clinical testing. Allele origin: germline.
Comment: For these reasons, this variant has been classified as Pathogenic. ClinVar contains an entry for this variant (Variation ID: 188956). This premature translational stop signal has been observed in individual(s) with Niemann-Pick type C (PMID: 12955717). This variant is not present in population databases (gnomAD no frequency). This sequence change creates a premature translational stop signal (p.Gln965*) in the NPC1 gene. It is expected to result in an absent or disrupted protein product. Loss-of-function variants in NPC1 are known to be pathogenic (PMID: 9211850).

CeGaT Center for Human Genetics Tuebingen
Classification: Pathogenic. Last evaluated: 2019-03-01. Review status: criteria provided, single submitter. Criteria: CeGaT Center For Human Genetics Tuebingen Variant Classification Criteria Version 2. Collection method: clinical testing. Allele origin: germline. Affected: yes. Observed: 4 variant alleles.

Counsyl
Classification: Likely pathogenic for Niemann-Pick disease type C1. Last evaluated: 2014-09-05. Review status: no assertion criteria provided. Collection method: literature only. Allele origin: unknown. Inheritance: Autosomal recessive inheritance. Not counted in ClinVar's aggregate classification.

Literature cited by the submitters: PubMed 12955717 (cited by Labcorp Genetics (formerly Invitae), Labcorp and Counsyl); PubMed 9211850 (cited by Labcorp Genetics (formerly Invitae), Labcorp).